The following is an entry in ClinVar:

ClinVar aggregate classification (germline): Uncertain significance (1 of 4 stars; one submission).

Submission:

CeGaT Center for Human Genetics Tuebingen
Classification: Uncertain significance. Last evaluated: 2026-02-01. Review status: criteria provided, single submitter. Criteria: CeGaT Center For Human Genetics Tuebingen Variant Classification Criteria Version 2. Collection method: clinical testing. Allele origin: germline. Affected: yes. Observed: 1 variant allele.
Comment: USP7: PM2, PP2

NM_003470.3(USP7):c.711G>T (p.Gln237His)

Gene: USP7 (ubiquitin specific peptidase 7; minus strand). Cytogenetic location: 16p13.2.
Variant type: single nucleotide variant.
Coding change: c.711G>T on transcript NM_003470.3 (MANE Select); coding-DNA position 711, G replaced by T.
Protein change: p.Gln237His; replaces glutamine 237 with histidine.
Molecular consequence: missense variant. On other transcripts: non-coding transcript variant (1).
Genome position (GRCh38, 1-based): chr16:8,919,040, C>A on the plus strand (G>T on the coding strand, the complement: USP7 is on the minus strand). VCF-style: chr16-8919040-C-A. GRCh37 (hg19) VCF-style: chr16-9012897-C-A.
Other names: c.663G>T, p.Gln221His (NM_001286457.2); c.414G>T, p.Gln138His (NM_001286458.2); c.537G>T, p.Gln179His (NM_001321858.2); short protein forms Q138H, Q179H, Q221H, Q237H.
Identifiers: ClinVar variation 4823403 (VCV004823403.4).